The following is an entry in ClinVar:

ClinVar aggregate classification (germline): Uncertain significance (1 of 4 stars; one submission).

Conditions:
Inborn genetic diseases. Identifiers: MedGen C0950123, MeSH D030342.

Submission:

Ambry Genetics
Classification: Uncertain significance for Inborn genetic diseases. Last evaluated: 2025-10-10. Review status: criteria provided, single submitter. Criteria: Ambry Variant Classification Scheme 2023. Collection method: clinical testing. Allele origin: germline.
Comment: The p.S619F variant (also known as c.1856C>T), located in coding exon 21 of the FANCA gene, results from a C to T substitution at nucleotide position 1856. The serine at codon 619 is replaced by phenylalanine, an amino acid with highly dissimilar properties. This amino acid position is conserved. In addition, the in silico prediction for this alteration is inconclusive. Based on the available evidence, the clinical significance of this variant remains unclear.

NM_000135.4(FANCA):c.1856C>T (p.Ser619Phe)

Gene: FANCA (FA complementation group A; minus strand). Cytogenetic location: 16q24.3.
Variant type: single nucleotide variant.
Coding change: c.1856C>T on transcript NM_000135.4 (MANE Select); coding-DNA position 1856, C replaced by T.
Protein change: p.Ser619Phe; replaces serine 619 with phenylalanine.
Molecular consequence: missense variant.
Genome position (GRCh38, 1-based): chr16:89,775,786, G>A on the plus strand (C>T on the coding strand, the complement: FANCA is on the minus strand). VCF-style: chr16-89775786-G-A. GRCh37 (hg19) VCF-style: chr16-89842194-G-A.
Other names: c.1856C>T, p.Ser619Phe (NM_001286167.3); short protein forms S619F.
Identifiers: ClinVar variation 3277605 (VCV003277605.2).